The following is an entry in ClinVar:

NM_000487.6(ARSA):c.393_425del (p.Pro132_Gly142del)

Gene: ARSA (arylsulfatase A; minus strand). Cytogenetic location: 22q13.33.
Variant type: Deletion.
Coding change: c.393_425del on transcript NM_000487.6 (MANE Select); coding-DNA positions 393 to 425, 33 bases deleted.
Protein change: p.Pro132_Gly142del.
Molecular consequence: inframe deletion.
Genome position (GRCh38, 1-based): chr22:50,627,206-50,627,238, 33 bases deleted; deleting any 33 consecutive bases within chr22:50,627,206-50,627,241 gives the same sequence; the c. name uses the placement nearest the transcript's 3' end. GRCh37 (hg19): chr22:51,065,637-51,065,669.
Other names: c.393_425del, p.Pro132_Gly142del (NM_001085425.3, NM_001085426.3, NM_001085427.3); c.135_167del, p.Pro46_Gly56del (NM_001085428.3, NM_001362782.2).
Identifiers: ClinVar variation 1476243 (VCV001476243.9), dbSNP rs2146725299, ClinGen allele CA2573158321.

ClinVar aggregate classification (germline): Pathogenic (1 of 4 stars; one submission).

Conditions:
Metachromatic leukodystrophy (MLD). Also called: Arylsulfatase A Deficiency; Cerebral sclerosis diffuse metachromatic form; ARSA DEFICIENCY; CEREBROSIDE SULFATASE DEFICIENCY; METACHROMATIC LEUKOENCEPHALOPATHY; SULFATIDE LIPIDOSIS. Identifiers: Orphanet 512, MedGen C0023522, MONDO:0018868, OMIM 250100.

Submission:

Labcorp Genetics (formerly Invitae), Labcorp
Classification: Pathogenic for Metachromatic leukodystrophy. Last evaluated: 2022-08-31. Review status: criteria provided, single submitter. Criteria: Invitae Variant Classification Sherloc (09022015). Collection method: clinical testing. Allele origin: germline.
Comment: For these reasons, this variant has been classified as Pathogenic. Experimental studies and prediction algorithms are not available or were not evaluated, and the functional significance of this variant is currently unknown. This variant, c.393_425del, results in the deletion of 11 amino acid(s) of the ARSA protein (p.Pro132_Gly142del), but otherwise preserves the integrity of the reading frame. This variant is not present in population databases (gnomAD no frequency). This variant has been observed in individual(s) with metachromatic leukodystrophy (Invitae). ClinVar contains an entry for this variant (Variation ID: 1476243). Algorithms developed to predict the effect of sequence changes on RNA splicing suggest that this variant may disrupt the consensus splice site. This variant disrupts a region of the ARSA protein in which other variant(s) (p.Pro138Thr) have been determined to be pathogenic (PMID: 22854541). This suggests that this is a clinically significant region of the protein, and that variants that disrupt it are likely to be disease-causing.

Literature cited by the submitters: PubMed 22854541.